The following is an entry in ClinVar:

NM_006946.4(SPTBN2):c.4921G>A (p.Ala1641Thr)

Gene: SPTBN2 (spectrin beta, non-erythrocytic 2; minus strand). Cytogenetic location: 11q13.2.
Variant type: single nucleotide variant.
Coding change: c.4921G>A on transcript NM_006946.4 (MANE Select); coding-DNA position 4921, G replaced by A.
Protein change: p.Ala1641Thr; replaces alanine 1641 with threonine.
Molecular consequence: missense variant.
Genome position (GRCh38, 1-based): chr11:66,693,034, C>T on the plus strand (G>A on the coding strand, the complement: SPTBN2 is on the minus strand). VCF-style: chr11-66693034-C-T. GRCh37 (hg19) VCF-style: chr11-66460505-C-T.
Other names: short protein forms A1641T.
Identifiers: ClinVar variation 709253 (VCV000709253.16), dbSNP rs143640999, ClinGen allele CA6128433.
Genomic context (GRCh38, chr11:66,693,034, plus strand): 5'-CTGGGTGCTCGTGGTCAATCATGTCCTGGCTGCTGGCCGCCAGCTGGTGGATGGTCTGCG[C>T]GTAGTCGGCCAGGGCTTGCTCCAGCACCTGGTGCTTCTTCACCTCTGCCTGGGCACTCAG-3'
Protein context (NP_008877.2, residues 1631-1651): QVLEQALADY[Ala1641Thr]QTIHQLAASS

ClinVar aggregate classification (germline): Likely benign. Review status: criteria provided, multiple submitters, no conflicts (2 of 4 stars). 3 submissions from 3 submitters: Likely benign (3). Last evaluated 2026-01-15.

Allele frequency attached by ClinVar (database versions not stated): ESP Exome Variant Server 0.00015; ExAC 0.00026; gnomAD exomes 0.00029 and 0.00101; 1000 Genomes Project 30x 0.00141; 1000 Genomes Project 0.00180; gnomAD 0.00191 and 0.00192; TOPMed 0.00195.
gnomAD v4.1: 713 of 1,613,230 alleles (0.044%); highest among the groups gnomAD compares: Admixed American, 0.92%; 9 homozygotes.

Submissions (3):

Labcorp Genetics (formerly Invitae), Labcorp
Classification: Likely benign. Last evaluated: 2026-01-15. Review status: criteria provided, single submitter. Criteria: Invitae Variant Classification Sherloc (09022015). Collection method: clinical testing. Allele origin: germline.

CeGaT Center for Human Genetics Tuebingen
Classification: Likely benign. Last evaluated: 2025-11-01. Review status: criteria provided, single submitter. Criteria: CeGaT Center For Human Genetics Tuebingen Variant Classification Criteria Version 2. Collection method: clinical testing. Allele origin: germline. Affected: yes. Observed: 1 variant allele.
Comment: SPTBN2: BS2

Breakthrough Genomics
Classification: Likely benign. Review status: criteria provided, single submitter. Criteria: ACMG Guidelines, 2015. Collection method: not provided. Allele origin: germline. Inheritance: Autosomal recessive inheritance. Affected: yes.